The following is an entry in ClinVar:

ClinVar aggregate classification (germline): Uncertain significance. Review status: criteria provided, multiple submitters, no conflicts (2 of 4 stars). 4 submissions from 4 submitters: Uncertain significance (2). 2 of the submissions do not count toward it. Last evaluated 2026-03-21.

Conditions:
Charcot-Marie-Tooth disease. Also called: Charcot-Marie-Tooth Hereditary Neuropathy; Charcot-Marie-Tooth Neuropathy. Identifiers: Orphanet 166, MedGen C0007959, MONDO:0015626.
Charcot-Marie-Tooth disease, type I (CMT1). Also called: Charcot-Marie-Tooth, Type 1; Charcot-Marie-Tooth disease type 1. Identifiers: Orphanet 65753, MedGen C0751036, MONDO:0019011.
Charcot-Marie-Tooth disease axonal type 2S. Also called: CHARCOT-MARIE-TOOTH DISEASE, AXONAL, AUTOSOMAL RECESSIVE, TYPE 2S; CHARCOT-MARIE-TOOTH NEUROPATHY, TYPE 2S. Identifiers: Orphanet 443073, MedGen C4015349, MONDO:0014511, OMIM 616155.
Autosomal recessive distal spinal muscular atrophy 1. Also called: SEVERE INFANTILE AXONAL NEUROPATHY WITH RESPIRATORY FAILURE; SPINAL MUSCULAR ATROPHY, DIAPHRAGMATIC; Spinal muscular atrophy with respiratory distress 1; NEURONOPATHY, DISTAL HEREDITARY MOTOR, HARDING TYPE VI; NEUROPATHY, DISTAL HEREDITARY MOTOR, AUTOSOMAL RECESSIVE 1; NEURONOPATHY, SEVERE INFANTILE AXONAL, WITH RESPIRATORY FAILURE. Identifiers: Orphanet 98920, MedGen C1858517, MONDO:0011436, OMIM 604320.

Submissions (4):

Dasa
Classification: Uncertain significance. Last evaluated: 2026-03-21. Review status: criteria provided, single submitter. Criteria: DASA Assertion Criteria. Collection method: clinical testing. Allele origin: germline.
Comment: NM_002180.3(IGHMBP2):c.734A>G (p.Asn245Ser) is a missense variant that results in the substitution of asparagine with serine. Functional evidence supports an impact on the gene or gene product (PMID: 36077311; PMID: 25439726). Also, this variant is rare in population databases. Computational prediction algorithms are consistent with a deleterious effect. The currently available literature and clinical evidence are not sufficient to establish a definitive association between this variant and the reported condition. Therefore, this variant is classified as a variant of uncertain significance.

Labcorp Genetics (formerly Invitae), Labcorp
Classification: Uncertain significance for Autosomal recessive distal spinal muscular atrophy 1; Charcot-Marie-Tooth disease axonal type 2S. Last evaluated: 2025-09-02. Review status: criteria provided, single submitter. Criteria: Invitae Variant Classification Sherloc (09022015). Collection method: clinical testing. Allele origin: germline.
Comment: This sequence change replaces asparagine, which is neutral and polar, with serine, which is neutral and polar, at codon 245 of the IGHMBP2 protein (p.Asn245Ser). This variant is not present in population databases (gnomAD no frequency). This missense change has been observed in individual(s) with clinical features of IGHMBP2-related conditions (PMID: 25439726, 26922252; internal data). ClinVar contains an entry for this variant (Variation ID: 534925). Invitae Evidence Modeling of protein sequence and biophysical properties (such as structural, functional, and spatial information, amino acid conservation, physicochemical variation, residue mobility, and thermodynamic stability) indicates that this missense variant is expected to disrupt IGHMBP2 protein function with a positive predictive value of 95%. Experimental studies have shown that this missense change affects IGHMBP2 function (PMID: 36077311). In summary, the available evidence is currently insufficient to determine the role of this variant in disease. Therefore, it has been classified as a Variant of Uncertain Significance.

Genesis Genome Database
Classification: Uncertain significance for Charcot-Marie-Tooth disease, type I. Last evaluated: 2019-08-14. Review status: no assertion criteria provided. Collection method: research. Allele origin: germline. Affected: yes. Not counted in ClinVar's aggregate classification.

Inherited Neuropathy Consortium
Classification: Uncertain significance for Charcot-Marie-Tooth disease. Review status: no assertion criteria provided. Collection method: literature only. Allele origin: germline. Affected: yes. Not counted in ClinVar's aggregate classification.

Literature cited by the submitters: PubMed 36077311 (cited by Dasa and Labcorp Genetics (formerly Invitae), Labcorp); PubMed 25439726 (cited by 3 submitters); PubMed 26922252 (cited by Labcorp Genetics (formerly Invitae), Labcorp).

NM_002180.3(IGHMBP2):c.734A>G (p.Asn245Ser)

Gene: IGHMBP2 (immunoglobulin mu DNA binding protein 2; plus strand). Cytogenetic location: 11q13.3.
Variant type: single nucleotide variant.
Coding change: c.734A>G on transcript NM_002180.3 (MANE Select); coding-DNA position 734, A replaced by G.
Protein change: p.Asn245Ser; replaces asparagine 245 with serine.
Molecular consequence: missense variant.
Genome position (GRCh38, 1-based): chr11:68,914,845, A>G. VCF-style: chr11-68914845-A-G. GRCh37 (hg19) VCF-style: chr11-68682313-A-G.
Other names: short protein forms N245S.
Identifiers: ClinVar variation 534925 (VCV000534925.11), dbSNP rs1555243999, ClinGen allele CA381644261.